The following is an entry in ClinVar:

ClinVar aggregate classification (germline): Likely benign (1 of 4 stars; one submission).

Allele frequency attached by ClinVar (database versions not stated): TOPMed 0.00005; gnomAD 0.00009; gnomAD exomes 0.00010.
gnomAD v4.1: 41 of 399,088 alleles (0.01%); highest among the groups gnomAD compares: South Asian, 0.11%; no homozygotes.

Submission:

CeGaT Center for Human Genetics Tuebingen
Classification: Likely benign. Last evaluated: 2023-01-01. Review status: criteria provided, single submitter. Criteria: CeGaT Center For Human Genetics Tuebingen Variant Classification Criteria Version 2. Collection method: clinical testing. Allele origin: germline. Affected: yes. Observed: 1 variant allele.
Comment: MEIKIN: BP4, BP7

NM_001303622.2(MEIKIN):c.186C>T (p.Gly62=)

Gene: MEIKIN (meiotic kinetochore factor; minus strand). Cytogenetic location: 5q31.1.
Variant type: single nucleotide variant.
Coding change: c.186C>T on transcript NM_001303622.2 (MANE Select); coding-DNA position 186, C replaced by T.
Protein change: p.Gly62=; no amino-acid change (glycine 62 retained).
Molecular consequence: synonymous variant.
Genome position (GRCh38, 1-based): chr5:131,945,170, G>A on the plus strand (C>T on the coding strand, the complement: MEIKIN is on the minus strand). VCF-style: chr5-131945170-G-A. GRCh37 (hg19) VCF-style: chr5-131280863-G-A.
Identifiers: ClinVar variation 2655691 (VCV002655691.24), dbSNP rs1191314487, ClinGen allele CA446482495.